The following is an entry in ClinVar:

NM_007294.4(BRCA1):c.2295_2297dup (p.Glu765_Ser766insArg)

Gene: BRCA1 (BRCA1 DNA repair associated; minus strand). Cytogenetic location: 17q21.31.
Variant type: Duplication.
Coding change: c.2295_2297dup on transcript NM_007294.4 (MANE Select); coding-DNA positions 2295 to 2297, 3 bases duplicated (GAG; older notation c.2295_2297dupGAG).
Protein change: p.Glu765_Ser766insArg.
Molecular consequence: inframe insertion. On other transcripts: intron variant (137), inframe indel (1).
Genome position (GRCh38, 1-based): chr17:43,093,234-43,093,236, CTC duplicated on the plus strand (GAG on the coding strand, the reverse complement: BRCA1 is on the minus strand). VCF-style (leftmost placement, unchanged base first): chr17-43093233-A-ACTC. GRCh37 (hg19) VCF-style: chr17-41245250-A-ACTC.
Other names: c.2214_2216dup, p.Glu738_Ser739insArg (NM_001407660.1, NM_001407659.1, NM_001407661.1 and 1 more transcripts); c.577+1508_577+1510dup (NM_001408479.1, NM_001408492.1, NM_001408513.1 and 9 more transcripts); c.668-2204_668-2202dup (NM_001408431.1, NM_001408424.1, NM_001408421.1); c.784+1508_784+1510dup (NM_001408407.1, NM_001408402.1, NM_001408473.1 and 13 more transcripts); c.661+1508_661+1510dup (NM_001408445.1, NM_001408432.1, NM_001408448.1 and 6 more transcripts); c.2217_2219dup, p.Glu739_Ser740insArg (NM_001407655.1, NM_001407656.1, NM_001407657.1 and 4 more transcripts); c.643+1508_643+1510dup (NM_001408468.1, NM_001408465.1, NM_001408463.1 and 3 more transcripts); c.523+1508_523+1510dup (NM_001408501.1, NM_001408500.1, NM_001408497.1 and 3 more transcripts); and 42 more.
Identifiers: ClinVar variation 3226114 (VCV003226114.1), dbSNP rs2552190447, ClinGen allele CA2825002537.
Genomic context (GRCh38, chr17:43,093,233, plus strand): 5'-CAGTAACGAGATACTTTCCTGAGTGCCATAATCAGTACCAGGTACCAATGAAATACTGCT[A>ACTC]CTCTCTACAGATCTTTCAGTTTGCAAAACCCTTTCTCCACTTAACATGAGATCTTTGGGG-3'

ClinVar aggregate classification (germline): Uncertain significance (1 of 4 stars; one submission).

Conditions:
Hereditary cancer-predisposing syndrome. Also called: Neoplastic Syndromes, Hereditary; Tumor predisposition; Hereditary neoplastic syndrome; Hereditary Cancer Syndrome. Identifiers: Orphanet 140162, MedGen C0027672, MeSH D009386, MONDO:0015356.

Submission:

Ambry Genetics
Classification: Uncertain significance for Hereditary cancer-predisposing syndrome. Last evaluated: 2024-03-14. Review status: criteria provided, single submitter. Criteria: Ambry Variant Classification Scheme 2023. Collection method: clinical testing. Allele origin: germline.
Comment: The c.2295_2297dupGAG variant (also known as p.E765_S766insR), located in coding exon 9 of the BRCA1 gene, results from an in-frame duplication of GAG at nucleotide positions 2295 to 2297. This results in the insertion of an arginine residue between codons 765 and 766. This amino acid region is conserved in available vertebrate species. In addition, this alteration is predicted to be deleterious by in silico analysis (Choi Y et al. PLoS ONE. 2012; 7(10):e46688). Based on the available evidence, the clinical significance of this alteration remains unclear.